The following is an entry in ClinVar:

NM_001005273.3(CHD3):c.5763G>A (p.Pro1921=)

Gene: CHD3 (chromodomain helicase DNA binding protein 3; plus strand). Cytogenetic location: 17p13.1.
Variant type: single nucleotide variant.
Coding change: c.5763G>A on transcript NM_001005273.3 (MANE Select); coding-DNA position 5763, G replaced by A.
Protein change: p.Pro1921=; no amino-acid change (proline 1921 retained).
Molecular consequence: synonymous variant. On other transcripts: missense variant (1).
Genome position (GRCh38, 1-based): chr17:7,910,855, G>A. VCF-style: chr17-7910855-G-A. GRCh37 (hg19) VCF-style: chr17-7814173-G-A.
Other names: c.5940G>A, p.Pro1980= (NM_001005271.3); c.5986G>A, p.Ala1996Thr (NM_001437504.1); c.5928G>A, p.Pro1976= (NM_001437507.1); c.5826G>A, p.Pro1942= (NM_001437508.1); c.5931G>A, p.Pro1977= (NM_001437509.1); c.5661G>A, p.Pro1887= (NM_005852.4); short protein forms A1996T.
Identifiers: ClinVar variation 4084741 (VCV004084741.8).

ClinVar aggregate classification (germline): Likely benign (1 of 4 stars; one submission).

gnomAD v4.1: 22 of 1,601,732 alleles (0.0014%); highest among the groups gnomAD compares: African/African-American, 0.0054%; no homozygotes.

Submission:

CeGaT Center for Human Genetics Tuebingen
Classification: Likely benign. Last evaluated: 2025-07-01. Review status: criteria provided, single submitter. Criteria: CeGaT Center For Human Genetics Tuebingen Variant Classification Criteria Version 2. Collection method: clinical testing. Allele origin: germline. Affected: yes. Observed: 1 variant allele.
Comment: CHD3: BP4